The following is an entry in ClinVar:

ClinVar aggregate classification (germline): Likely pathogenic (1 of 4 stars; one submission).

Conditions:
Microcephalic primordial dwarfism due to RTTN deficiency (MSSP). Also called: Microcephaly, short stature, and polymicrogyria with or without seizures; MICROCEPHALY, SHORT STATURE, AND POLYMICROGYRIA. Identifiers: Orphanet 468631, MedGen C3553831, MONDO:0018764, OMIM 614833.

Submission:

Juno Genomics, Hangzhou Juno Genomics, Inc
Classification: Likely pathogenic for Microcephalic primordial dwarfism due to RTTN deficiency. Review status: criteria provided, single submitter. Criteria: ACMG Guidelines, 2015. Collection method: clinical testing. Allele origin: germline. Affected: yes.
Comment: Absent from controls (or at extremely low frequency if recessive) in Genome Aggregation Database, Exome Sequencing Project, 1000 Genomes Project, or Exome Aggregation Consortium.;Null variant in a gene where loss of function (LOF) is a known mechanism of disease.

NM_173630.4(RTTN):c.5744dup (p.Glu1916fs)

Gene: RTTN (rotatin; minus strand). Cytogenetic location: 18q22.2.
Variant type: Duplication.
Coding change: c.5744dup on transcript NM_173630.4 (MANE Select); coding-DNA position 5744, one base duplicated (A; older notation c.5744dupA).
Protein change: p.Glu1916fs; shifts the reading frame from glutamic acid 1916.
Molecular consequence: frameshift variant.
Genome position (GRCh38, 1-based): chr18:70,030,013, T duplicated on the plus strand (A on the coding strand, the reverse complement: RTTN is on the minus strand); the first of 8 consecutive T bases (chr18:70,030,013-70,030,020); duplicating any one gives the same sequence. VCF-style (leftmost placement, unchanged base first): chr18-70030012-C-CT. GRCh37 (hg19) VCF-style: chr18-67697248-C-CT.
Other names: c.3008dup, p.Glu1004fs (NM_001318520.2); short protein forms E1004fs, E1916fs.
Identifiers: ClinVar variation 3392489 (VCV003392489.2).